The following is an entry in ClinVar:

NM_015909.4(NBAS):c.1756C>T (p.His586Tyr)

Gene: NBAS (NBAS subunit of NRZ tethering complex; minus strand). Cytogenetic location: 2p24.3.
Variant type: single nucleotide variant.
Coding change: c.1756C>T on transcript NM_015909.4 (MANE Select); coding-DNA position 1756, C replaced by T.
Protein change: p.His586Tyr; replaces histidine 586 with tyrosine.
Molecular consequence: missense variant. On other transcripts: non-coding transcript variant (1).
Genome position (GRCh38, 1-based): chr2:15,468,503, G>A on the plus strand (C>T on the coding strand, the complement: NBAS is on the minus strand). VCF-style: chr2-15468503-G-A. GRCh37 (hg19) VCF-style: chr2-15608627-G-A.
Other names: short protein forms H586Y.
Identifiers: ClinVar variation 2817391 (VCV002817391.3), dbSNP rs2528112276, ClinGen allele CA345884971.

ClinVar aggregate classification (germline): Uncertain significance (1 of 4 stars; one submission).

Allele frequency attached by ClinVar (database versions not stated): gnomAD exomes below 0.00001.
gnomAD v4.1: 1 of 1,614,034 alleles (0.000062%); highest among the groups gnomAD compares: Middle Eastern, 0.016%; no homozygotes.

Submission:

Labcorp Genetics (formerly Invitae), Labcorp
Classification: Uncertain significance. Last evaluated: 2022-11-29. Review status: criteria provided, single submitter. Criteria: Invitae Variant Classification Sherloc (09022015). Collection method: clinical testing. Allele origin: germline.
Comment: Advanced modeling of protein sequence and biophysical properties (such as structural, functional, and spatial information, amino acid conservation, physicochemical variation, residue mobility, and thermodynamic stability) performed at Invitae indicates that this missense variant is not expected to disrupt NBAS protein function. This variant has not been reported in the literature in individuals affected with NBAS-related conditions. This variant is not present in population databases (gnomAD no frequency). This sequence change replaces histidine, which is basic and polar, with tyrosine, which is neutral and polar, at codon 586 of the NBAS protein (p.His586Tyr). In summary, the available evidence is currently insufficient to determine the role of this variant in disease. Therefore, it has been classified as a Variant of Uncertain Significance.